The following is an entry in ClinVar:

NM_001184.4(ATR):c.1424T>G (p.Ile475Ser)

Gene: ATR (ATR checkpoint kinase; minus strand). Cytogenetic location: 3q23.
Variant type: single nucleotide variant.
Coding change: c.1424T>G on transcript NM_001184.4 (MANE Select); coding-DNA position 1424, T replaced by G.
Protein change: p.Ile475Ser; replaces isoleucine 475 with serine.
Molecular consequence: missense variant. On other transcripts: intron variant (1).
Genome position (GRCh38, 1-based): chr3:142,560,380, A>C on the plus strand (T>G on the coding strand, the complement: ATR is on the minus strand). VCF-style: chr3-142560380-A-C. GRCh37 (hg19) VCF-style: chr3-142279222-A-C.
Other names: c.1349+863T>G (NM_001354579.2); short protein forms I475S.
Identifiers: ClinVar variation 938998 (VCV000938998.9), dbSNP rs781126519, ClinGen allele CA2650600.

ClinVar aggregate classification (germline): Uncertain significance (1 of 4 stars; one submission).

Allele frequency attached by ClinVar (database versions not stated): gnomAD exomes below 0.00001 and 0.00001; ExAC 0.00001.
gnomAD v4.1: 9 of 1,613,882 alleles (0.00056%); highest among the groups gnomAD compares: East Asian, 0.018%; no homozygotes.

Submission:

Labcorp Genetics (formerly Invitae), Labcorp
Classification: Uncertain significance. Last evaluated: 2019-08-05. Review status: criteria provided, single submitter. Criteria: Invitae Variant Classification Sherloc (09022015). Collection method: clinical testing. Allele origin: germline.
Comment: This sequence change replaces isoleucine with serine at codon 475 of the ATR protein (p.Ile475Ser). The isoleucine residue is weakly conserved and there is a large physicochemical difference between isoleucine and serine. This variant is present in population databases (rs781126519, ExAC 0.01%). This variant has not been reported in the literature in individuals with ATR-related conditions. Algorithms developed to predict the effect of missense changes on protein structure and function (SIFT, PolyPhen-2, Align-GVGD) all suggest that this variant is likely to be tolerated, but these predictions have not been confirmed by published functional studies and their clinical significance is uncertain. In summary, the available evidence is currently insufficient to determine the role of this variant in disease. Therefore, it has been classified as a Variant of Uncertain Significance.